The following is an entry in ClinVar:

NM_000083.3(CLCN1):c.1444G>A (p.Gly482Arg)

Gene: CLCN1 (chloride voltage-gated channel 1; plus strand). Cytogenetic location: 7q34.
Variant type: single nucleotide variant.
Coding change: c.1444G>A on transcript NM_000083.3 (MANE Select); coding-DNA position 1444, G replaced by A.
Protein change: p.Gly482Arg; replaces glycine 482 with arginine.
Molecular consequence: missense variant. On other transcripts: non-coding transcript variant (1).
Genome position (GRCh38, 1-based): chr7:143,339,295, G>A. VCF-style: chr7-143339295-G-A. GRCh37 (hg19) VCF-style: chr7-143036388-G-A.
Other names: short protein forms G482R.
Identifiers: ClinVar variation 546108 (VCV000546108.47), dbSNP rs746125212, ClinGen allele CA4537375.

ClinVar aggregate classification (germline): Pathogenic. Review status: criteria provided, multiple submitters, no conflicts (2 of 4 stars). 11 submissions from 11 submitters: Pathogenic (10). 1 of the submissions does not count toward it. Last evaluated 2026-01-19.

Conditions:
CLCN1-related disorder. Also called: CLCN1-related condition.
Congenital myotonia, autosomal recessive form. Also called: Becker Generalized Myotonia; BECKER DISEASE; myotonia congenita, autosomal recessive. Identifiers: Orphanet 614, MedGen C0751360, MONDO:0009715, OMIM 255700.
Congenital myotonia, autosomal dominant form (THD). Also called: THOMSEN DISEASE; Myotonia congenita autosomal dominant. Identifiers: Orphanet 614, MedGen C2936781, MONDO:0008055, OMIM 160800.

Allele frequency attached by ClinVar (database versions not stated): gnomAD exomes 0.00001; ExAC 0.00002; TOPMed 0.00003.

Submissions (11):

Labcorp Genetics (formerly Invitae), Labcorp
Classification: Pathogenic for Congenital myotonia, autosomal recessive form; Congenital myotonia, autosomal dominant form. Last evaluated: 2026-01-19. Review status: criteria provided, single submitter. Criteria: Invitae Variant Classification Sherloc (09022015). Collection method: clinical testing. Allele origin: germline.
Comment: This sequence change replaces glycine, which is neutral and non-polar, with arginine, which is basic and polar, at codon 482 of the CLCN1 protein (p.Gly482Arg). This variant is present in population databases (rs746125212, gnomAD 0.01%). This missense change has been observed in individuals with autosomal recessive myotonia congenita (PMID: 22346025, 25065301; internal data). It has also been observed to segregate with disease in related individuals. This variant has been reported in individual(s) with autosomal dominant myotonia congenita (PMID: 8533761, 15311340, 15786415, 31567646); however, the role of the variant in this condition is currently unclear. ClinVar contains an entry for this variant (Variation ID: 546108). Invitae Evidence Modeling of protein sequence and biophysical properties (such as structural, functional, and spatial information, amino acid conservation, physicochemical variation, residue mobility, and thermodynamic stability) indicates that this missense variant is expected to disrupt CLCN1 protein function with a positive predictive value of 95%. Experimental studies have shown that this missense change affects CLCN1 function (PMID: 10644771, 17097617, 18035046). For these reasons, this variant has been classified as Pathogenic.

3billion
Classification: Pathogenic for Congenital myotonia, autosomal recessive form. Last evaluated: 2026-01-13. Review status: criteria provided, single submitter. Criteria: ACMG Guidelines, 2015. Collection method: clinical testing. Allele origin: germline. Affected: yes.
Comment: The variant is observed at an extremely low frequency in the gnomAD v4.1.0 dataset (total allele frequency: 0.001%). Predicted Consequence/Location: Missense variant Functional studies provide strong evidence of the variant having a damaging effect on the gene or gene product (PMID: 10644771, 17097617). In silico tool predictions suggest damaging effect of the variant on gene or gene product [REVEL: 1.00 (>=0.6, sensitivity 0.68 and specificity 0.92)]. The same nucleotide change resulting in the same amino acid change has been previously reported as pathogenic/likely pathogenic with strong evidence (ClinVar ID: VCV000546108 /PMID: 8533761 /3billion dataset). A different missense change at the same codon (p.Gly482Glu) has been reported to be associated with CLCN1-related disorder (ClinVar ID: VCV000565939 /PMID: 24349310). Therefore, this variant is classified as Pathogenic according to the recommendation of ACMG/AMP guideline.

Genesolutions, Medical Genetics Institutes, Ho Chi Minh City, Vietnam
Classification: Pathogenic for Congenital myotonia, autosomal dominant form. Last evaluated: 2025-09-24. Review status: criteria provided, single submitter. Criteria: ACMG Guidelines, 2015. Collection method: clinical testing. Allele origin: germline. Affected: yes.

GeneDx
Classification: Pathogenic. Last evaluated: 2025-03-27. Review status: criteria provided, single submitter. Criteria: GeneDx Variant Classification Process June 2021. Collection method: clinical testing. Allele origin: germline. Affected: yes.
Comment: Observed in the heterozygous state, without a second pathogenic variant, in multiple individuals with Thomsen disease (dominant form), although some individuals were reported to have clinical features consistent with the more severe Becker disease (recessive form) (PMID: 8533761, 25065301, 15311340); Observed in the heterozygous state in a patient with myotonia congenita and was found to be inherited from an unaffected father (PMID: 15311340); Observed in patients with myotonia congenita who harbored a second CLCN1 variant in the literature and referred for genetic testing at GeneDx (PMID: 25065301); Published functional studies with electrophysiological analysis of Xenopus oocytes demonstrate G482R results in loss of CLCN1 channel function (PMID: 17097617); Not observed at significant frequency in large population cohorts (gnomAD); In silico analysis supports that this missense variant has a deleterious effect on protein structure/function; This variant is associated with the following publications: (PMID: 23739125, 10644771, 24349310, 28427807, 15786415, 12210360, 8533761, 31567646, 31544778, 22346025, 21221019, 34790634, 33263785, 35170402, 18035046, Brugnoni2022[CaseReport], 37066920, 35982159, 35982160, 38178268, 17097617, 15311340, 25065301)

Genomic Medicine Center of Excellence, King Faisal Specialist Hospital and Research Centre
Classification: Pathogenic for Congenital myotonia, autosomal dominant form. Last evaluated: 2024-03-25. Review status: criteria provided, single submitter. Criteria: ACMG Guidelines, 2015. Collection method: clinical testing. Allele origin: germline.

Molecular Genetics, Royal Melbourne Hospital
Classification: Pathogenic for Congenital myotonia, autosomal recessive form. Last evaluated: 2023-11-05. Review status: criteria provided, single submitter. Criteria: ACMG Guidelines, 2015. Collection method: clinical testing. Allele origin: germline. Inheritance: Autosomal recessive inheritance. Affected: yes.
Comment: This sequence change in CLCN1 is predicted to replace glycine with arginine at codon 482, p.(Gly482Arg). The glycine residue is highly conserved (100 vertebrates, UCSC), and is a critical glycine residue in the helical transmembrane M-N Linker domain of the chloride ion channel (PMID: 24349310). There is a large physicochemical difference between glycine and arginine. The highest population minor allele frequency in the population database gnomAD v2.1 is 0.01% (2/16,256 alleles) in the African/African American population, which is consistent with a recessive disease. This variant has been detected in at least three individuals with autosomal recessive/Becker myotonia congenita (MC). Of those individuals, one individual was homozygous and two were compound heterozygous for the variant and a pathogenic variant, confirmed in trans (PMID: 22346025, 37066920; LOVD). The variant is reported to segregate with disease in the homozygous state in a single family (PMID: 22346025). There are limited reports of the variant in autosomal dominant/Thomsen MC (PMID: 15311340, 31567646). In vitro patch-clamp assays with limited validation in HEK293 cells and Xenopus oocytes demonstrate the variant leads to a loss of chloride channel function (PMID: 10644771, 17097617, 18035046). Computational evidence [predicts a deleterious effect/ predicts a benign effect/ is uninformative] for the missense substitution (REVEL = 0.997). Based on the classification scheme RMH Modified ACMG/AMP Guidelines v1.6.1, this variant is classified as PATHOGENIC. Following criteria are met: PM3_Strong, PM1, PP3_Moderate, PM2_Supporting, PS3_Supporting, PP1.

CeGaT Center for Human Genetics Tuebingen
Classification: Pathogenic. Last evaluated: 2022-11-01. Review status: criteria provided, single submitter. Criteria: CeGaT Center For Human Genetics Tuebingen Variant Classification Criteria Version 2. Collection method: clinical testing. Allele origin: germline. Affected: yes. Observed: 1 variant allele.
Comment: CLCN1: PS3, PS4, PM2, PM5, PP3, PS2:Supporting

Revvity Omics, Revvity
Classification: Pathogenic. Last evaluated: 2020-02-29. Review status: criteria provided, single submitter. Criteria: ACMG Guidelines, 2015. Collection method: clinical testing. Allele origin: germline.

Blueprint Genetics
Classification: Pathogenic for CLCN1-related disorders. Last evaluated: 2018-10-07. Review status: criteria provided, single submitter. Criteria: ACMG Guidelines, 2015. Collection method: clinical testing. Allele origin: germline. Affected: yes. Observed: 3 variant alleles.

Juno Genomics, Hangzhou Juno Genomics, Inc
Classification: Pathogenic for Congenital myotonia, autosomal dominant form; Congenital myotonia, autosomal recessive form. Review status: criteria provided, single submitter. Criteria: ACMG Guidelines, 2015. Collection method: clinical testing. Allele origin: germline. Affected: yes.
Comment: Absent from controls (or at extremely low frequency if recessive) in Genome Aggregation Database.;Well-established in vitro or in vivo functional studies supportive of a damaging effect on the gene or gene product.;The prevalence of the variant in affected individuals is significantly increased compared to the prevalence in controls.;For recessive disorders, detected in trans with a pathogenic variant.;Co-segregation with disease in multiple affected family members.

OMIM
Classification: Pathogenic for MYOTONIA CONGENITA, AUTOSOMAL RECESSIVE. Last evaluated: 2013-10-07. Review status: no assertion criteria provided. Collection method: literature only. Allele origin: germline. Not counted in ClinVar's aggregate classification.

Literature cited by the submitters: PubMed 22346025 (cited by Labcorp Genetics (formerly Invitae), Labcorp and Molecular Genetics, Royal Melbourne Hospital); PubMed 25065301 (cited by Labcorp Genetics (formerly Invitae), Labcorp); PubMed 8533761 (cited by Labcorp Genetics (formerly Invitae), Labcorp and 3billion); PubMed 15311340 (cited by Labcorp Genetics (formerly Invitae), Labcorp and Molecular Genetics, Royal Melbourne Hospital); PubMed 15786415 (cited by Labcorp Genetics (formerly Invitae), Labcorp); PubMed 31567646 (cited by Labcorp Genetics (formerly Invitae), Labcorp and Molecular Genetics, Royal Melbourne Hospital); PubMed 10644771 (cited by 3 submitters); PubMed 17097617 (cited by 3 submitters); PubMed 18035046 (cited by Labcorp Genetics (formerly Invitae), Labcorp and Molecular Genetics, Royal Melbourne Hospital); PubMed 24349310 (cited by 3billion and Molecular Genetics, Royal Melbourne Hospital); PubMed 37066920 (cited by Molecular Genetics, Royal Melbourne Hospital); Koch, M. C., Meyer-Kleine, C., Otto, M., Ricker, K., Lorenz, C., Steinmeyer, K., Jentsch, T. J. Mutations in the CLCN1 gene leading to myotonia congenita Thomsen and generalized myotonia Becker. (Abstract) Am. J. Hum. Genet. 55 (suppl.): A226, 1994. (cited by OMIM).